The following is an entry in ClinVar:

ClinVar aggregate classification (germline): Pathogenic. Review status: criteria provided, multiple submitters, no conflicts (2 of 4 stars). 2 submissions from 2 submitters: Pathogenic (2). Last evaluated 2026-04-15.

Allele frequency attached by ClinVar (database versions not stated): ESP Exome Variant Server 0.00008.
gnomAD v4.1: 12 of 1,613,946 alleles (0.00074%); highest among the groups gnomAD compares: South Asian, 0.0011%; no homozygotes.

Submissions (2):

Dasa
Classification: Pathogenic. Last evaluated: 2026-04-15. Review status: criteria provided, single submitter. Criteria: DASA Assertion Criteria. Collection method: clinical testing. Allele origin: germline.
Comment: NM_015338.6(ASXL1):c.1773C>G (p.Tyr591*) introduces a premature termination codon predicted to result in loss of normal protein function. Loss-of-function is an established mechanism of disease for this gene. This variant has been reported in individuals with related phenotype (PMID: 40295826). The variant is present at low frequency in population datasets. Based on the available data, this variant is classified as pathogenic.

GeneDx
Classification: Pathogenic. Last evaluated: 2020-09-16. Review status: criteria provided, single submitter. Criteria: GeneDx Variant Classification Process June 2021. Collection method: clinical testing. Allele origin: germline. Affected: yes.
Comment: Not observed at a significant frequency in large population cohorts (Lek et al., 2016); This variant is associated with the following publications: (PMID: 24478400, 22058207, 26095772, 28076841, 28667884, 27352931, 25343957, 20693432, 30982744, 32732354)

Literature cited by the submitters: PubMed 40295826 (cited by Dasa).

NM_015338.6(ASXL1):c.1773C>G (p.Tyr591Ter)

Gene: ASXL1 (ASXL transcriptional regulator 1; plus strand). Cytogenetic location: 20q11.21.
Variant type: single nucleotide variant.
Coding change: c.1773C>G on transcript NM_015338.6 (MANE Select); coding-DNA position 1773, C replaced by G.
Protein change: p.Tyr591Ter; replaces tyrosine 591 with a stop codon.
Molecular consequence: nonsense.
Genome position (GRCh38, 1-based): chr20:32,434,485, C>G. VCF-style: chr20-32434485-C-G. GRCh37 (hg19) VCF-style: chr20-31022288-C-G.
Other names: c.1590C>G, p.Tyr530Ter (NM_001363734.1); short protein forms Y591*, Y530*.
Identifiers: ClinVar variation 451016 (VCV000451016.5), dbSNP rs371369583, ClinGen allele CA9808448.
Genomic context (GRCh38, chr20:32,434,485, plus strand): 5'-TTTGCAGATTCAACTTTCACGTATCAAACCACCCTGGGTGGTTAAAGGTCAGCCCACTTA[C>G]CAGATATGCCCCCGGATCATCCCCACCACGGAGTCCTCCTGCCGGGGTTGGACTGGCGCC-3'